The following is an entry in ClinVar:

ClinVar aggregate classification (germline): Likely benign (1 of 4 stars; one submission).

Conditions:
NRP1-related disorder. Also called: NRP1-related condition.

gnomAD v4.1: 2 of 1,604,858 alleles (0.00012%); highest among the groups gnomAD compares: African/African-American, 0.0027%; no homozygotes.

Submission:

PreventionGenetics, part of Exact Sciences
Classification: Likely benign for NRP1-related condition. Last evaluated: 2025-11-14. Review status: criteria provided, single submitter. Criteria: ACMG Guidelines, 2015. Collection method: clinical testing. Allele origin: germline.
Comment: This variant is classified as likely benign based on ACMG/AMP sequence variant interpretation guidelines (Richards et al. 2015 PMID: 25741868, with internal and published modifications).

NM_003873.7(NRP1):c.2063-10G>C

Gene: NRP1 (neuropilin 1; minus strand). Cytogenetic location: 10p11.22.
Variant type: single nucleotide variant.
Coding change: c.2063-10G>C on transcript NM_003873.7 (MANE Select); 10 bases into the intron before coding-DNA position 2063, G replaced by C.
Molecular consequence: intron variant.
Genome position (GRCh38, 1-based): chr10:33,186,498, C>G on the plus strand (G>C on the coding strand, the complement: NRP1 is on the minus strand). VCF-style: chr10-33186498-C-G. GRCh37 (hg19) VCF-style: chr10-33475426-C-G.
Other names: c.2042-10G>C (NM_001244973.2); c.2042-7G>C (NM_001244972.2); c.2063-10G>C (NM_001330068.2).
Identifiers: ClinVar variation 4991903 (VCV004991903.1).